The following is an entry in ClinVar:

ClinVar aggregate classification (germline): Conflicting classifications of pathogenicity. Review status: criteria provided, conflicting classifications (1 of 4 stars). 2 submissions from 2 submitters: Likely pathogenic (1); Uncertain significance (1). Last evaluated 2022-08-11.

Conditions:
CNGB3-related disorder. Also called: CNGB3-related condition; CNGB3-related disorders. Identifiers: MedGen CN239340.

Allele frequency attached by ClinVar (database versions not stated): gnomAD 0.00001.
gnomAD v4.1: 25 of 1,613,904 alleles (0.0015%); highest among the groups gnomAD compares: Middle Eastern, 0.033%; no homozygotes.

Submissions (2):

Blueprint Genetics
Classification: Likely pathogenic for CNGB3-related disorders. Last evaluated: 2022-08-11. Review status: criteria provided, single submitter. Criteria: ACMG Guidelines, 2015. Collection method: clinical testing. Allele origin: germline. Affected: yes. Observed: 2 variant alleles.

Labcorp Genetics (formerly Invitae), Labcorp
Classification: Uncertain significance. Last evaluated: 2022-03-12. Review status: criteria provided, single submitter. Criteria: Invitae Variant Classification Sherloc (09022015). Collection method: clinical testing. Allele origin: germline.
Comment: This sequence change replaces arginine, which is basic and polar, with histidine, which is basic and polar, at codon 239 of the CNGB3 protein (p.Arg239His). This variant is present in population databases (rs759029829, gnomAD 0.004%). This variant has not been reported in the literature in individuals affected with CNGB3-related conditions. Algorithms developed to predict the effect of missense changes on protein structure and function (SIFT, PolyPhen-2, Align-GVGD) all suggest that this variant is likely to be disruptive. In summary, the available evidence is currently insufficient to determine the role of this variant in disease. Therefore, it has been classified as a Variant of Uncertain Significance.

NM_019098.5(CNGB3):c.716G>A (p.Arg239His)

Gene: CNGB3 (cyclic nucleotide gated channel subunit beta 3; minus strand). Cytogenetic location: 8q21.3.
Variant type: single nucleotide variant.
Coding change: c.716G>A on transcript NM_019098.5 (MANE Select); coding-DNA position 716, G replaced by A.
Protein change: p.Arg239His; replaces arginine 239 with histidine.
Molecular consequence: missense variant.
Genome position (GRCh38, 1-based): chr8:86,667,061, C>T on the plus strand (G>A on the coding strand, the complement: CNGB3 is on the minus strand). VCF-style: chr8-86667061-C-T. GRCh37 (hg19) VCF-style: chr8-87679289-C-T.
Other names: short protein forms R239H.
Identifiers: ClinVar variation 2152943 (VCV002152943.2), dbSNP rs759029829, ClinGen allele CA4800294.